The following is an entry in ClinVar:

ClinVar aggregate classification (germline): Uncertain significance. Review status: criteria provided, multiple submitters, no conflicts (2 of 4 stars). 3 submissions from 3 submitters: Uncertain significance (3). Last evaluated 2025-03-03.

Conditions:
Nephronophthisis-like nephropathy 1 (NPHPL1). Identifiers: Orphanet 655, MedGen C3150419, MONDO:0013163, OMIM 613159.
Inborn genetic diseases. Identifiers: MedGen C0950123, MeSH D030342.

Allele frequency attached by ClinVar (database versions not stated): gnomAD 0.00001; gnomAD exomes 0.00001; TOPMed 0.00002.

Submissions (3):

Ambry Genetics
Classification: Uncertain significance for Inborn genetic diseases. Last evaluated: 2025-03-03. Review status: criteria provided, single submitter. Criteria: Ambry Variant Classification Scheme 2023. Collection method: clinical testing. Allele origin: germline.

Fulgent Genetics
Classification: Uncertain significance for Nephronophthisis-like nephropathy 1. Last evaluated: 2024-01-06. Review status: criteria provided, single submitter. Criteria: ACMG Guidelines, 2015. Collection method: clinical testing. Allele origin: germline.

Labcorp Genetics (formerly Invitae), Labcorp
Classification: Uncertain significance for Nephronophthisis-like nephropathy 1. Last evaluated: 2022-11-15. Review status: criteria provided, single submitter. Criteria: Invitae Variant Classification Sherloc (09022015). Collection method: clinical testing. Allele origin: germline.
Comment: ClinVar contains an entry for this variant (Variation ID: 1522050). This variant has not been reported in the literature in individuals affected with XPNPEP3-related conditions. This variant is present in population databases (no rsID available, gnomAD 0.006%). This sequence change replaces serine, which is neutral and polar, with asparagine, which is neutral and polar, at codon 91 of the XPNPEP3 protein (p.Ser91Asn). Algorithms developed to predict the effect of missense changes on protein structure and function output the following: SIFT: "Tolerated"; PolyPhen-2: "Benign"; Align-GVGD: "Class C0". The asparagine amino acid residue is found in multiple mammalian species, which suggests that this missense change does not adversely affect protein function. In summary, the available evidence is currently insufficient to determine the role of this variant in disease. Therefore, it has been classified as a Variant of Uncertain Significance.

NM_022098.4(XPNPEP3):c.272G>A (p.Ser91Asn)

Gene: XPNPEP3 (X-prolyl aminopeptidase 3; plus strand). Cytogenetic location: 22q13.2.
Variant type: single nucleotide variant.
Coding change: c.272G>A on transcript NM_022098.4 (MANE Select); coding-DNA position 272, G replaced by A.
Protein change: p.Ser91Asn; replaces serine 91 with asparagine.
Molecular consequence: missense variant.
Genome position (GRCh38, 1-based): chr22:40,881,860, G>A. VCF-style: chr22-40881860-G-A. GRCh37 (hg19) VCF-style: chr22-41277864-G-A.
Other names: c.272G>A (NM_022098.3); short protein forms S91N.
Identifiers: ClinVar variation 1522050 (VCV001522050.9), dbSNP rs1017989325, ClinGen allele CA324516269.